The following is an entry in ClinVar:

ClinVar aggregate classification (germline): Pathogenic. Review status: criteria provided, multiple submitters, no conflicts (2 of 4 stars). 3 submissions from 3 submitters: Pathogenic (3). Last evaluated 2025-11-17.

Conditions:
Fanconi anemia complementation group O. Also called: RAD51C-Related Fanconi Anemia. Identifiers: Orphanet 84, MedGen C3150653, MONDO:0013248, OMIM 613390.
Hereditary cancer-predisposing syndrome. Also called: Tumor predisposition; Hereditary Cancer Syndrome; Hereditary neoplastic syndrome; Neoplastic Syndromes, Hereditary. Identifiers: Orphanet 140162, MedGen C0027672, MeSH D009386, MONDO:0015356.
Breast-ovarian cancer, familial, susceptibility to, 3. Also called: RAD51C-Related Breast/Ovarian Cancer. Identifiers: Orphanet 145, MedGen C3150659, MONDO:0013253, OMIM 613399.

Submissions (3):

Ambry Genetics
Classification: Pathogenic for Hereditary cancer-predisposing syndrome. Last evaluated: 2025-11-17. Review status: criteria provided, single submitter. Criteria: Ambry Variant Classification Scheme 2023. Collection method: clinical testing. Allele origin: germline.
Comment: The p.Q97* pathogenic mutation (also known as c.289C>T), located in coding exon 2 of the RAD51C gene, results from a C to T substitution at nucleotide position 289. This changes the amino acid from a glutamine to a stop codon within coding exon 2. This variant is considered to be rare based on population cohorts in the Genome Aggregation Database (gnomAD). This alteration is expected to result in loss of function by premature protein truncation or nonsense-mediated mRNA decay. As such, this alteration is interpreted as a disease-causing mutation.

Labcorp Genetics (formerly Invitae), Labcorp
Classification: Pathogenic for Fanconi anemia complementation group O. Last evaluated: 2024-07-23. Review status: criteria provided, single submitter. Criteria: Invitae Variant Classification Sherloc (09022015). Collection method: clinical testing. Allele origin: germline.
Comment: This sequence change creates a premature translational stop signal (p.Gln97*) in the RAD51C gene. It is expected to result in an absent or disrupted protein product. Loss-of-function variants in RAD51C are known to be pathogenic (PMID: 20400964, 21990120, 24800917, 29278735). This variant is not present in population databases (gnomAD no frequency). This variant has not been reported in the literature in individuals affected with RAD51C-related conditions. Algorithms developed to predict the effect of sequence changes on RNA splicing suggest that this variant may disrupt the consensus splice site. For these reasons, this variant has been classified as Pathogenic.

Myriad Genetics, Inc.
Classification: Pathogenic for Breast-ovarian cancer, familial, susceptibility to, 3. Last evaluated: 2024-01-02. Review status: criteria provided, single submitter. Criteria: Myriad Autosomal Dominant, Autosomal Recessive and X-Linked Classification Criteria (2023). Collection method: clinical testing. Allele origin: unknown.
Comment: This variant is considered pathogenic. This variant creates a termination codon and is predicted to result in premature protein truncation.

Literature cited by the submitters: PubMed 20400964 (cited by Labcorp Genetics (formerly Invitae), Labcorp); PubMed 21990120 (cited by Labcorp Genetics (formerly Invitae), Labcorp); PubMed 24800917 (cited by Labcorp Genetics (formerly Invitae), Labcorp); PubMed 29278735 (cited by Labcorp Genetics (formerly Invitae), Labcorp).

NM_058216.3(RAD51C):c.289C>T (p.Gln97Ter)

Gene: RAD51C (RAD51 paralog C; plus strand). Cytogenetic location: 17q22.
Variant type: single nucleotide variant.
Coding change: c.289C>T on transcript NM_058216.3 (MANE Select); coding-DNA position 289, C replaced by T.
Protein change: p.Gln97Ter; replaces glutamine 97 with a stop codon.
Molecular consequence: nonsense. On other transcripts: non-coding transcript variant (2).
Genome position (GRCh38, 1-based): chr17:58,695,074, C>T. VCF-style: chr17-58695074-C-T. GRCh37 (hg19) VCF-style: chr17-56772435-C-T.
Other names: c.289C>T, p.Gln97Ter (NM_002876.4, NM_058217.1); short protein forms Q97*.
Identifiers: ClinVar variation 3148125 (VCV003148125.4), dbSNP rs1567786232, ClinGen allele CA400340887.